The following is an entry in ClinVar:

NM_004655.4(AXIN2):c.1045C>G (p.Leu349Val)

Gene: AXIN2 (axin 2; minus strand). Cytogenetic location: 17q24.1.
Variant type: single nucleotide variant.
Coding change: c.1045C>G on transcript NM_004655.4 (MANE Select); coding-DNA position 1045, C replaced by G.
Protein change: p.Leu349Val; replaces leucine 349 with valine.
Molecular consequence: missense variant.
Genome position (GRCh38, 1-based): chr17:65,541,469, G>C on the plus strand (C>G on the coding strand, the complement: AXIN2 is on the minus strand). VCF-style: chr17-65541469-G-C. GRCh37 (hg19) VCF-style: chr17-63537587-G-C.
Other names: c.1045C>G (LRG_296t1); c.1045C>G, p.Leu349Val (NM_001363813.1); short protein forms L349V.
Identifiers: ClinVar variation 464514 (VCV000464514.12), dbSNP rs1447816369, ClinGen allele CA400679122.

ClinVar aggregate classification (germline): Uncertain significance. Review status: criteria provided, multiple submitters, no conflicts (2 of 4 stars). 4 submissions from 4 submitters: Uncertain significance (4). Last evaluated 2025-12-20.

Conditions:
Oligodontia-cancer predisposition syndrome. Also called: TOOTH AGENESIS-COLORECTAL CANCER SYNDROME. Identifiers: Orphanet 300576, MedGen C1837750, MONDO:0012075, OMIM 608615. Disease mechanism: loss of function.
Colorectal cancer. Also called: Malignant Colorectal Neoplasm; Colorectal cancer, somatic. Identifiers: MedGen C0346629, MONDO:0005575, OMIM 114500.
Hereditary cancer-predisposing syndrome. Also called: Neoplastic Syndromes, Hereditary; Tumor predisposition; Hereditary Cancer Syndrome; Hereditary neoplastic syndrome. Identifiers: Orphanet 140162, MedGen C0027672, MeSH D009386, MONDO:0015356.

Allele frequency attached by ClinVar (database versions not stated): gnomAD exomes below 0.00001; gnomAD 0.00001; TOPMed 0.00001.
gnomAD v4.1: 2 of 1,613,868 alleles (0.00012%); highest among the groups gnomAD compares: Non-Finnish European, 0.00017%; no homozygotes.

Submissions (4):

Labcorp Genetics (formerly Invitae), Labcorp
Classification: Uncertain significance for Oligodontia-cancer predisposition syndrome. Last evaluated: 2025-12-20. Review status: criteria provided, single submitter. Criteria: Invitae Variant Classification Sherloc (09022015). Collection method: clinical testing. Allele origin: germline.
Comment: This sequence change replaces leucine, which is neutral and non-polar, with valine, which is neutral and non-polar, at codon 349 of the AXIN2 protein (p.Leu349Val). This variant is not present in population databases (gnomAD no frequency). This variant has not been reported in the literature in individuals affected with AXIN2-related conditions. ClinVar contains an entry for this variant (Variation ID: 464514). Invitae Evidence Modeling of protein sequence and biophysical properties (such as structural, functional, and spatial information, amino acid conservation, physicochemical variation, residue mobility, and thermodynamic stability) indicates that this missense variant is expected to disrupt AXIN2 protein function with a positive predictive value of 80%. In summary, the available evidence is currently insufficient to determine the role of this variant in disease. Therefore, it has been classified as a Variant of Uncertain Significance.

Ambry Genetics
Classification: Uncertain significance for Hereditary cancer-predisposing syndrome. Last evaluated: 2024-05-31. Review status: criteria provided, single submitter. Criteria: Ambry Variant Classification Scheme 2023. Collection method: clinical testing. Allele origin: germline.
Comment: The p.L349V variant (also known as c.1045C>G), located in coding exon 3 of the AXIN2 gene, results from a C to G substitution at nucleotide position 1045. The leucine at codon 349 is replaced by valine, an amino acid with highly similar properties. This amino acid position is conserved. In addition, the in silico prediction for this alteration is inconclusive. Since supporting evidence is limited at this time, the clinical significance of this alteration remains unclear.

Baylor Genetics
Classification: Uncertain significance for Colorectal cancer. Last evaluated: 2023-11-30. Review status: criteria provided, single submitter. Criteria: ACMG Guidelines, 2015. Collection method: clinical testing. Allele origin: unknown.

GeneDx
Classification: Uncertain significance. Last evaluated: 2023-05-18. Review status: criteria provided, single submitter. Criteria: GeneDx Variant Classification Process June 2021. Collection method: clinical testing. Allele origin: germline. Affected: yes.
Comment: Not observed at significant frequency in large population cohorts (gnomAD); In silico analysis supports that this missense variant does not alter protein structure/function; Has not been previously published as pathogenic or benign to our knowledge; This variant is associated with the following publications: (PMID: 15735151)